The following is an entry in ClinVar:

NM_003392.7(WNT5A):c.794C>T (p.Ala265Val)

Gene: WNT5A (Wnt family member 5A; minus strand). Cytogenetic location: 3p14.3.
Variant type: single nucleotide variant.
Coding change: c.794C>T on transcript NM_003392.7 (MANE Select); coding-DNA position 794, C replaced by T.
Protein change: p.Ala265Val; replaces alanine 265 with valine.
Molecular consequence: missense variant.
Genome position (GRCh38, 1-based): chr3:55,470,441, G>A on the plus strand (C>T on the coding strand, the complement: WNT5A is on the minus strand). VCF-style: chr3-55470441-G-A. GRCh37 (hg19) VCF-style: chr3-55504469-G-A.
Other names: c.749C>T, p.Ala250Val (NM_001256105.1, NM_001377271.1, NM_001377272.1); short protein forms A265V, A250V.
Identifiers: ClinVar variation 3589476 (VCV003589476.3).

ClinVar aggregate classification (germline): Uncertain significance. Review status: criteria provided, multiple submitters, no conflicts (2 of 4 stars). 2 submissions from 2 submitters: Uncertain significance (2). Last evaluated 2025-03-17.

Conditions:
Autosomal dominant Robinow syndrome 1. Also called: ACRAL DYSOSTOSIS WITH FACIAL AND GENITAL ABNORMALITIES; WNT5A-Related Robinow Syndrome, Autosomal Dominant; FETAL FACE SYNDROME; ROBINOW DWARFISM; Covesdem syndrome (formerly); Costovertebral segmentation defect with mesomelia (formerly). Identifiers: Orphanet 3107, Orphanet 97360, MedGen C4551475, MONDO:0024455, OMIM 180700.

gnomAD v4.1: 8 of 1,611,292 alleles (0.0005%); highest among the groups gnomAD compares: Non-Finnish European, 0.00068%; no homozygotes.

Submissions (2):

Labcorp Genetics (formerly Invitae), Labcorp
Classification: Uncertain significance. Last evaluated: 2025-03-17. Review status: criteria provided, single submitter. Criteria: Invitae Variant Classification Sherloc (09022015). Collection method: clinical testing. Allele origin: germline.
Comment: This sequence change replaces alanine, which is neutral and non-polar, with valine, which is neutral and non-polar, at codon 265 of the WNT5A protein (p.Ala265Val). The frequency data for this variant in the population databases is considered unreliable, as metrics indicate poor data quality at this position in the gnomAD database. This variant has not been reported in the literature in individuals affected with WNT5A-related conditions. ClinVar contains an entry for this variant (Variation ID: 3589476). Invitae Evidence Modeling of protein sequence and biophysical properties (such as structural, functional, and spatial information, amino acid conservation, physicochemical variation, residue mobility, and thermodynamic stability) indicates that this missense variant is not expected to disrupt WNT5A protein function with a negative predictive value of 80%. In summary, the available evidence is currently insufficient to determine the role of this variant in disease. Therefore, it has been classified as a Variant of Uncertain Significance.

Fulgent Genetics
Classification: Uncertain significance for Autosomal dominant Robinow syndrome 1. Last evaluated: 2024-06-03. Review status: criteria provided, single submitter. Criteria: ACMG Guidelines, 2015. Collection method: clinical testing. Allele origin: germline.